The following is an entry in ClinVar:

ClinVar aggregate classification (germline): Uncertain significance (1 of 4 stars; one submission).

Conditions:
Wilms tumor 1 (WT1). Also called: Wilms tumor, somatic. Identifiers: Orphanet 654, MedGen CN033288, MONDO:0008679, OMIM 194070.

Submission:

Labcorp Genetics (formerly Invitae), Labcorp
Classification: Uncertain significance for Wilms tumor 1. Last evaluated: 2025-11-10. Review status: criteria provided, single submitter. Criteria: Invitae Variant Classification Sherloc (09022015). Collection method: clinical testing. Allele origin: germline.
Comment: This sequence change replaces isoleucine, which is neutral and non-polar, with phenylalanine, which is neutral and non-polar, at codon 228 of the GPC3 protein (p.Ile228Phe). This variant is not present in population databases (gnomAD no frequency). This variant has not been reported in the literature in individuals affected with GPC3-related conditions. ClinVar contains an entry for this variant (Variation ID: 842874). Invitae Evidence Modeling of protein sequence and biophysical properties (such as structural, functional, and spatial information, amino acid conservation, physicochemical variation, residue mobility, and thermodynamic stability) indicates that this missense variant is not expected to disrupt GPC3 protein function with a negative predictive value of 80%. In summary, the available evidence is currently insufficient to determine the role of this variant in disease. Therefore, it has been classified as a Variant of Uncertain Significance.

NM_004484.4(GPC3):c.682A>T (p.Ile228Phe)

Gene: GPC3 (glypican 3; minus strand). Cytogenetic location: Xq26.2.
Variant type: single nucleotide variant.
Coding change: c.682A>T on transcript NM_004484.4 (MANE Select); coding-DNA position 682, A replaced by T.
Protein change: p.Ile228Phe; replaces isoleucine 228 with phenylalanine.
Molecular consequence: missense variant.
Genome position (GRCh38, 1-based): chrX:133,753,832, T>A on the plus strand (A>T on the coding strand, the complement: GPC3 is on the minus strand). VCF-style: chrX-133753832-T-A. GRCh37 (hg19) VCF-style: chrX-132887859-T-A.
Other names: c.682A>T, p.Ile228Phe (NM_001164617.2); c.634A>T, p.Ile212Phe (NM_001164618.2); c.520A>T, p.Ile174Phe (NM_001164619.2); short protein forms I212F, I228F, I174F.
Identifiers: ClinVar variation 842874 (VCV000842874.10), dbSNP rs774682860, ClinGen allele CA414706093.